The following is an entry in ClinVar:

ClinVar aggregate classification (germline): Conflicting classifications of pathogenicity. Review status: criteria provided, conflicting classifications (1 of 4 stars). 4 submissions from 4 submitters: Uncertain significance (2); Likely benign (2). Last evaluated 2025-12-01.

Conditions:
CENPF-related disorder. Also called: CENPF-related condition.

Allele frequency attached by ClinVar (database versions not stated): 1000 Genomes Project 0.00040; 1000 Genomes Project 30x 0.00047; gnomAD exomes 0.00090; ExAC 0.00095; gnomAD 0.00096 and 0.00098; TOPMed 0.00098; ESP Exome Variant Server 0.00146.
gnomAD v4.1: 1,973 of 1,614,126 alleles (0.12%); highest among the groups gnomAD compares: Non-Finnish European, 0.15%; 4 homozygotes.

Submissions (4):

PreventionGenetics, part of Exact Sciences
Classification: Likely benign for CENPF-related condition. Last evaluated: 2025-12-01. Review status: criteria provided, single submitter. Criteria: ACMG Guidelines, 2015. Collection method: clinical testing. Allele origin: germline.
Comment: This variant is classified as likely benign based on ACMG/AMP sequence variant interpretation guidelines (Richards et al. 2015 PMID: 25741868, with internal and published modifications).

Labcorp Genetics (formerly Invitae), Labcorp
Classification: Uncertain significance. Last evaluated: 2024-12-03. Review status: criteria provided, single submitter. Criteria: Invitae Variant Classification Sherloc (09022015). Collection method: clinical testing. Allele origin: germline.
Comment: This sequence change replaces arginine, which is basic and polar, with histidine, which is basic and polar, at codon 2309 of the CENPF protein (p.Arg2309His). This variant is present in population databases (rs145858780, gnomAD 0.2%), and has an allele count higher than expected for a pathogenic variant. This variant has not been reported in the literature in individuals affected with CENPF-related conditions. ClinVar contains an entry for this variant (Variation ID: 1194410). An algorithm developed to predict the effect of missense changes on protein structure and function outputs the following: PolyPhen-2: "Benign". The histidine amino acid residue is found in multiple mammalian species, which suggests that this missense change does not adversely affect protein function. In summary, the available evidence is currently insufficient to determine the role of this variant in disease. Therefore, it has been classified as a Variant of Uncertain Significance.

Blueprint Genetics
Classification: Likely benign. Last evaluated: 2024-11-26. Review status: criteria provided, single submitter. Criteria: ACMG Guidelines, 2015. Collection method: clinical testing. Allele origin: germline.

GeneDx
Classification: Uncertain significance. Last evaluated: 2023-05-15. Review status: criteria provided, single submitter. Criteria: GeneDx Variant Classification Process June 2021. Collection method: clinical testing. Allele origin: germline. Affected: yes.
Comment: Reported in the heterozygous state in a patient with Bardet Biedl syndrome in published literature (Waters et al., 2015); this patient also had two variants in the BBS12 gene that may have been responsible for the phenotype; In silico analysis, which includes protein predictors and evolutionary conservation, supports that this variant does not alter protein structure/function; This variant is associated with the following publications: (PMID: 25564561, 33729517)

NM_016343.4(CENPF):c.6926G>A (p.Arg2309His)

Gene: CENPF (centromere protein F; plus strand). Cytogenetic location: 1q41.
Variant type: single nucleotide variant.
Coding change: c.6926G>A on transcript NM_016343.4 (MANE Select); coding-DNA position 6926, G replaced by A.
Protein change: p.Arg2309His; replaces arginine 2309 with histidine.
Molecular consequence: missense variant.
Genome position (GRCh38, 1-based): chr1:214,646,496, G>A. VCF-style: chr1-214646496-G-A. GRCh37 (hg19) VCF-style: chr1-214819839-G-A.
Other names: short protein forms R2309H.
Identifiers: ClinVar variation 1194410 (VCV001194410.10), dbSNP rs145858780, ClinGen allele CA1391039.